The following is an entry in ClinVar:

ClinVar aggregate classification (germline): Uncertain significance (1 of 4 stars; one submission).

Conditions:
Glycogen storage disease due to muscle beta-enolase deficiency (GSD13). Also called: Glycogen Storage Disease Type XIII; ENOLASE 3 DEFICIENCY; ENOLASE-BETA DEFICIENCY; GSD XIII. Identifiers: Orphanet 99849, MedGen C2752027, MONDO:0013046, OMIM 612932.

Allele frequency attached by ClinVar (database versions not stated): gnomAD 0.00001 and 0.00003; TOPMed 0.00001; gnomAD exomes 0.00003 and 0.00006; ExAC 0.00004.
gnomAD v4.1: 88 of 1,612,586 alleles (0.0055%); highest among the groups gnomAD compares: East Asian, 0.19%; no homozygotes.

Submission:

Labcorp Genetics (formerly Invitae), Labcorp
Classification: Uncertain significance for Glycogen storage disease due to muscle beta-enolase deficiency. Last evaluated: 2022-06-27. Review status: criteria provided, single submitter. Criteria: Invitae Variant Classification Sherloc (09022015). Collection method: clinical testing. Allele origin: germline.
Comment: This sequence change replaces aspartic acid, which is acidic and polar, with glutamic acid, which is acidic and polar, at codon 53 of the ENO3 protein (p.Asp53Glu). This variant is present in population databases (rs746259097, gnomAD 0.04%). This variant has not been reported in the literature in individuals affected with ENO3-related conditions. Algorithms developed to predict the effect of missense changes on protein structure and function are either unavailable or do not agree on the potential impact of this missense change (SIFT: "Deleterious"; PolyPhen-2: "Probably Damaging"; Align-GVGD: "Class C0"). In summary, the available evidence is currently insufficient to determine the role of this variant in disease. Therefore, it has been classified as a Variant of Uncertain Significance.

NM_053013.4(ENO3):c.159C>A (p.Asp53Glu)

Gene: ENO3 (enolase 3; plus strand). Cytogenetic location: 17p13.2.
Variant type: single nucleotide variant.
Coding change: c.159C>A on transcript NM_053013.4 (MANE Select); coding-DNA position 159, C replaced by A.
Protein change: p.Asp53Glu; replaces aspartic acid 53 with glutamic acid.
Molecular consequence: missense variant.
Genome position (GRCh38, 1-based): chr17:4,952,868, C>A. VCF-style: chr17-4952868-C-A. GRCh37 (hg19) VCF-style: chr17-4856163-C-A.
Other names: c.159C>A, p.Asp53Glu (NM_001193503.2, NM_001374523.1, NM_001976.5); c.186C>A, p.Asp62Glu (NM_001374524.1); short protein forms D53E, D62E.
Identifiers: ClinVar variation 1361398 (VCV001361398.4), dbSNP rs746259097, ClinGen allele CA8316158.